The following is an entry in ClinVar:

ClinVar aggregate classification (germline): Pathogenic (1 of 4 stars; one submission).

Submission:

Labcorp Genetics (formerly Invitae), Labcorp
Classification: Pathogenic. Last evaluated: 2022-05-13. Review status: criteria provided, single submitter. Criteria: Invitae Variant Classification Sherloc (09022015). Collection method: clinical testing. Allele origin: germline.
Comment: This variant disrupts a region of the EYS protein in which other variant(s) (p.Tyr3135*) have been determined to be pathogenic (PMID: 18976725, 29159838, 30337596, 31074760). This suggests that this is a clinically significant region of the protein, and that variants that disrupt it are likely to be disease-causing. ClinVar contains an entry for this variant (Variation ID: 834824). This variant is also known as c.8233+1del. This premature translational stop signal has been observed in individual(s) with clinical features of retinitis pigmentosa (PMID: 32037395). This variant is not present in population databases (gnomAD no frequency). This sequence change creates a premature translational stop signal (p.Gly2745Valfs*8) in the EYS gene. While this is not anticipated to result in nonsense mediated decay, it is expected to disrupt the last 400 amino acid(s) of the EYS protein. For these reasons, this variant has been classified as Pathogenic.

Literature cited by the submitters: PubMed 18976725; PubMed 29159838; PubMed 30337596; PubMed 31074760; PubMed 32037395.

NM_001142800.2(EYS):c.8233+1del

Gene: EYS (EGF-like photoreceptor maintenance factor; minus strand). Cytogenetic location: 6q12.
Variant type: Deletion.
Coding change: c.8233+1del on transcript NM_001142800.2 (MANE Select); the canonical splice donor site of the intron after coding-DNA position 8233, one base deleted (G; older notation c.8233+1delG).
Molecular consequence: splice donor variant.
Genome position (GRCh38, 1-based): chr6:63,726,518, C deleted on the plus strand (G on the coding strand, the reverse complement: EYS is on the minus strand); the first of 2 consecutive C bases (chr6:63,726,518-63,726,519); deleting either gives the same sequence. VCF-style (leftmost placement, unchanged base first): chr6-63726517-AC-A. GRCh37 (hg19) VCF-style: chr6-64436410-AC-A.
Other names: c.8296+1del (NM_001292009.2).
Identifiers: ClinVar variation 834824 (VCV000834824.8), dbSNP rs1768621880, ClinGen allele CA916082859.